The following is an entry in ClinVar:

Conditions:
Long QT syndrome 5 (LQT5). Identifiers: Orphanet 101016, Orphanet 768, MedGen C1867904, MONDO:0013372, OMIM 613695.

Submission:

Roden Lab, Vanderbilt University Medical Center
No classification provided (evidence only). Condition: Long QT syndrome 5. Review status: no classification provided. Collection method: in vitro. Allele origin: not applicable. Functional consequence: Effect on ion channel function.
ClinVar note: "not provided" was previously submitted as the classification for the variant. However, the classification appeared to be based only on an observation of functional data so it was converted to no classification on 2025-07-30.

NM_000219.6(KCNE1):c.20C>A (p.Thr7Lys)

Gene: KCNE1 (potassium voltage-gated channel subfamily E regulatory subunit 1; minus strand). Cytogenetic location: 21q22.12.
Variant type: single nucleotide variant.
Coding change: c.20C>A on transcript NM_000219.6 (MANE Select); coding-DNA position 20, C replaced by A.
Protein change: p.Thr7Lys; replaces threonine 7 with lysine.
Molecular consequence: missense variant.
Genome position (GRCh38, 1-based): chr21:34,449,615, G>T on the plus strand (C>A on the coding strand, the complement: KCNE1 is on the minus strand). VCF-style: chr21-34449615-G-T. GRCh37 (hg19) VCF-style: chr21-35821913-G-T.
Other names: c.20C>A, p.Thr7Lys (NM_001127668.4, NM_001127669.4, NM_001127670.4 and 4 more transcripts); short protein forms T7K.
Identifiers: ClinVar variation 3374308 (VCV003374308.2).